The following is an entry in ClinVar:

NM_181688.3(KRTAP10-10):c.710G>A (p.Arg237His)

Genes: KRTAP10-10 (keratin associated protein 10-10; plus strand), TSPEAR (thrombospondin type laminin G domain and EAR repeats; minus strand). Cytogenetic location: 21q22.3.
Variant type: single nucleotide variant.
Coding change: c.710G>A on transcript NM_181688.3 (MANE Select); coding-DNA position 710, G replaced by A.
Protein change: p.Arg237His; replaces arginine 237 with histidine.
Molecular consequence: missense variant. On other transcripts: intron variant (2).
Genome position (GRCh38, 1-based): chr21:44,638,127, G>A. VCF-style: chr21-44638127-G-A. GRCh37 (hg19) VCF-style: chr21-46058044-G-A.
Other names: c.83-70122C>T (NM_144991.3); c.-123+52418C>T (NM_001272037.2); short protein forms R237H.
Identifiers: ClinVar variation 377299 (VCV000377299.4), dbSNP rs143765249, ClinGen allele CA10060659.
Genomic context (GRCh38, chr21:44,638,127, plus strand): 5'-AGCCCAGCTGCTGCCGCACGGCCTCCTGTGTTTCCCTCCTCTGCCGCCCCGTGTGCTCCC[G>A]CCCTGCCTGCTACAGCCTCTGCTCTGGCCAGAAGTCCAGCTGCTGACAGCCCTGGATGTG-3'
Protein context (NP_859016.1, residues 227-247): VSLLCRPVCS[Arg237His]PACYSLCSGQ

ClinVar aggregate classification (germline): Likely benign (1 of 4 stars; one submission).

Allele frequency attached by ClinVar (database versions not stated): gnomAD exomes 0.00045 and 0.00115; ExAC 0.00109; 1000 Genomes Project 30x 0.00203; 1000 Genomes Project 0.00260; gnomAD 0.00270 and 0.00297; TOPMed 0.00290; ESP Exome Variant Server 0.00354.
gnomAD v4.1: 1,109 of 1,612,976 alleles (0.069%); highest among the groups gnomAD compares: African/African-American, 0.9%; 8 homozygotes.

Submission:

Center for Pediatric Genomic Medicine, Children's Mercy Hospital and Clinics
Classification: Likely benign. Last evaluated: 2016-06-29. Review status: criteria provided, single submitter. Criteria: ACMG Guidelines, 2015. Collection method: clinical testing. Allele origin: germline.
ClinVar note: Converted during submission from Likely Benign to Likely benign.